The following is an entry in ClinVar:

ClinVar aggregate classification (germline): Benign (0 of 4 stars; one submission).

Conditions:
DNAH17-related disorder. Also called: DNAH17-related condition.

Allele frequency attached by ClinVar (database versions not stated): ExAC 0.00099; 1000 Genomes Project 0.00319; gnomAD 0.00322; 1000 Genomes Project 30x 0.00328; ESP Exome Variant Server 0.00469.
gnomAD v4.1: 1,044 of 1,613,406 alleles (0.065%); highest among the groups gnomAD compares: African/African-American, 1.2%; 6 homozygotes.

Submission:

PreventionGenetics, part of Exact Sciences
Classification: Benign for DNAH17-related condition. Last evaluated: 2019-05-02. Review status: no assertion criteria provided. Collection method: clinical testing. Allele origin: germline.
Comment: This variant is classified as benign based on ACMG/AMP sequence variant interpretation guidelines (Richards et al. 2015 PMID: 25741868, with internal and published modifications).

NM_173628.4(DNAH17):c.12389C>G (p.Pro4130Arg)

Gene: DNAH17 (dynein axonemal heavy chain 17; minus strand). Cytogenetic location: 17q25.3.
Variant type: single nucleotide variant.
Coding change: c.12389C>G on transcript NM_173628.4 (MANE Select); coding-DNA position 12389, C replaced by G.
Protein change: p.Pro4130Arg; replaces proline 4130 with arginine.
Molecular consequence: missense variant.
Genome position (GRCh38, 1-based): chr17:78,429,137, G>C on the plus strand (C>G on the coding strand, the complement: DNAH17 is on the minus strand). VCF-style: chr17-78429137-G-C. GRCh37 (hg19) VCF-style: chr17-76425218-G-C.
Other names: short protein forms P4130R.
Identifiers: ClinVar variation 3053659 (VCV003053659.2), dbSNP rs61742178, ClinGen allele CA8800069.
Genomic context (GRCh38, chr17:78,429,137, plus strand): 5'-GAGCCTTCATTACGTTGAGCTCCTGTTTAACTTGTCATCCTTACCTTGTAGTCCAGGTTG[G>C]GGGGGATCTGAAAGCCGGGGGCCAGCAGGACGTCTCCCTCCAGCATCTCCGTCCGGATGT-3'
Protein context (NP_775899.3, residues 4120-4140): VLLAPGFQIP[Pro4130Arg]NLDYKGYHEY